The following is an entry in ClinVar:

NM_003640.5(ELP1):c.1693A>G (p.Lys565Glu)

Gene: ELP1 (elongator acetyltransferase complex subunit 1; minus strand). Cytogenetic location: 9q31.3.
Variant type: single nucleotide variant.
Coding change: c.1693A>G on transcript NM_003640.5 (MANE Select); coding-DNA position 1693, A replaced by G.
Protein change: p.Lys565Glu; replaces lysine 565 with glutamic acid.
Molecular consequence: missense variant.
Genome position (GRCh38, 1-based): chr9:108,903,620, T>C on the plus strand (A>G on the coding strand, the complement: ELP1 is on the minus strand). VCF-style: chr9-108903620-T-C. GRCh37 (hg19) VCF-style: chr9-111665900-T-C.
Other names: c.1351A>G, p.Lys451Glu (NM_001318360.2); c.646A>G, p.Lys216Glu (NM_001330749.2); short protein forms K451E, K216E, K565E.
Identifiers: ClinVar variation 2047280 (VCV002047280.1), dbSNP rs141915722, ClinGen allele CA197538839.
Genomic context (GRCh38, chr9:108,903,620, plus strand): 5'-CACCCCAAAGGTACTTAAATATCTGGCCATCAGCCAGCTGTAATACTACTGACTTGGTCT[T>C]GGAATTGCAACATAGACTGATTATGACCCCATCCACCGCTGCAGATGAACTGACAAAAAA-3'
Protein context (NP_003631.2, residues 555-575): GVIISLCCNS[Lys565Glu]TKSVVLQLAD

ClinVar aggregate classification (germline): Uncertain significance (1 of 4 stars; one submission).

Allele frequency attached by ClinVar (database versions not stated): gnomAD exomes below 0.00001; ESP Exome Variant Server 0.00008.
gnomAD v4.1: 1 of 1,614,040 alleles (0.000062%); highest among the groups gnomAD compares: Non-Finnish European, 0.000085%; no homozygotes.

Submission:

Labcorp Genetics (formerly Invitae), Labcorp
Classification: Uncertain significance. Last evaluated: 2021-09-01. Review status: criteria provided, single submitter. Criteria: Invitae Variant Classification Sherloc (09022015). Collection method: clinical testing. Allele origin: germline.
Comment: This sequence change replaces lysine with glutamic acid at codon 565 of the ELP1 protein (p.Lys565Glu). The lysine residue is moderately conserved and there is a small physicochemical difference between lysine and glutamic acid. This variant is not present in population databases (ExAC no frequency). This variant has not been reported in the literature in individuals affected with ELP1-related conditions. Algorithms developed to predict the effect of missense changes on protein structure and function output the following: SIFT: "Tolerated"; PolyPhen-2: "Benign"; Align-GVGD: "Class C0". The glutamic acid amino acid residue is found in multiple mammalian species, which suggests that this missense change does not adversely affect protein function. In summary, the available evidence is currently insufficient to determine the role of this variant in disease. Therefore, it has been classified as a Variant of Uncertain Significance.